The following is an entry in ClinVar:

NM_005869.4(CWC27):c.1209G>A (p.Thr403=)

Gene: CWC27 (CWC27 spliceosome associated cyclophilin; plus strand). Cytogenetic location: 5q12.3.
Variant type: single nucleotide variant.
Coding change: c.1209G>A on transcript NM_005869.4 (MANE Select); coding-DNA position 1209, G replaced by A.
Protein change: p.Thr403=; no amino-acid change (threonine 403 retained).
Molecular consequence: synonymous variant. On other transcripts: intron variant (1).
Genome position (GRCh38, 1-based): chr5:64,977,191, G>A. VCF-style: chr5-64977191-G-A. GRCh37 (hg19) VCF-style: chr5-64273018-G-A.
Other names: c.1209G>A (NM_005869.3); c.1152+5379G>A (NM_001297644.1).
Identifiers: ClinVar variation 1170118 (VCV001170118.15), dbSNP rs1309581, ClinGen allele CA3282257.

ClinVar aggregate classification (germline): Benign. Review status: criteria provided, multiple submitters, no conflicts (2 of 4 stars). 5 submissions from 5 submitters: Benign (5). Last evaluated 2026-05-04.

Conditions:
CWC27-related disorder. Also called: CWC27-related condition.
Metaphyseal chondrodysplasia-retinitis pigmentosa syndrome. Also called: Retinitis pigmentosa with or without skeletal anomalies. Identifiers: Orphanet 166035, MedGen C1855188, MONDO:0009598, OMIM 250410.

Allele frequency attached by ClinVar (database versions not stated): 1000 Genomes Project 30x 0.34572; 1000 Genomes Project 0.35164; TOPMed 0.37903; ESP Exome Variant Server 0.39689.
gnomAD v4.1: 690,105 of 1,608,222 alleles (43%); highest among the groups gnomAD compares: Non-Finnish European, 45%; 150,897 homozygotes.

Submissions (5):

PreventionGenetics, part of Exact Sciences
Classification: Benign for CWC27-related condition. Last evaluated: 2026-05-04. Review status: criteria provided, single submitter. Criteria: ACMG Guidelines, 2015. Collection method: clinical testing. Allele origin: germline.
Comment: This variant is classified as benign based on ACMG/AMP sequence variant interpretation guidelines (Richards et al. 2015 PMID: 25741868, with internal and published modifications).

Labcorp Genetics (formerly Invitae), Labcorp
Classification: Benign. Last evaluated: 2026-02-04. Review status: criteria provided, single submitter. Criteria: Invitae Variant Classification Sherloc (09022015). Collection method: clinical testing. Allele origin: germline.

Blueprint Genetics
Classification: Benign. Last evaluated: 2024-11-26. Review status: criteria provided, single submitter. Criteria: ACMG Guidelines, 2015. Collection method: clinical testing. Allele origin: germline.

Genome-Nilou Lab
Classification: Benign for Metaphyseal chondrodysplasia-retinitis pigmentosa syndrome. Last evaluated: 2021-07-30. Review status: criteria provided, single submitter. Criteria: ACMG Guidelines, 2015. Collection method: clinical testing. Allele origin: germline. Affected: no.

Breakthrough Genomics
Classification: Benign. Review status: criteria provided, single submitter. Criteria: ACMG Guidelines, 2015. Collection method: not provided. Allele origin: germline. Inheritance: Autosomal recessive inheritance. Affected: yes.